The following is an entry in ClinVar:

ClinVar aggregate classification (germline): Conflicting classifications of pathogenicity. Review status: criteria provided, conflicting classifications (1 of 4 stars). 2 submissions from 2 submitters: Uncertain significance (1); Likely benign (1). Last evaluated 2025-05-30.

Conditions:
Early-infantile DEE. Also called: Ohtahara syndrome; Early infantile epileptic encephalopathy with suppression bursts; Early infantile epileptic encephalopathy. Identifiers: Orphanet 1934, MedGen C0393706, MONDO:0800491.
Inborn genetic diseases. Identifiers: MedGen C0950123, MeSH D030342.

Allele frequency attached by ClinVar (database versions not stated): gnomAD exomes below 0.00001 and 0.00001; ExAC 0.00001; gnomAD 0.00001; TOPMed 0.00001.
gnomAD v4.1: 14 of 1,614,070 alleles (0.00087%); highest among the groups gnomAD compares: Non-Finnish European, 0.0011%; no homozygotes.

Submissions (2):

Ambry Genetics
Classification: Likely benign for Inborn genetic diseases. Last evaluated: 2025-05-30. Review status: criteria provided, single submitter. Criteria: Ambry Variant Classification Scheme 2023. Collection method: clinical testing. Allele origin: germline.

Labcorp Genetics (formerly Invitae), Labcorp
Classification: Uncertain significance for Early-infantile DEE. Last evaluated: 2025-05-19. Review status: criteria provided, single submitter. Criteria: Invitae Variant Classification Sherloc (09022015). Collection method: clinical testing. Allele origin: germline.
Comment: This sequence change replaces aspartic acid, which is acidic and polar, with asparagine, which is neutral and polar, at codon 1742 of the SPTAN1 protein (p.Asp1742Asn). This variant is present in population databases (rs750748842, gnomAD 0.002%). This variant has not been reported in the literature in individuals affected with SPTAN1-related conditions. ClinVar contains an entry for this variant (Variation ID: 835223). Invitae Evidence Modeling of protein sequence and biophysical properties (such as structural, functional, and spatial information, amino acid conservation, physicochemical variation, residue mobility, and thermodynamic stability) has been performed for this missense variant. However, the output from this modeling did not meet the statistical confidence thresholds required to predict the impact of this variant on SPTAN1 protein function. In summary, the available evidence is currently insufficient to determine the role of this variant in disease. Therefore, it has been classified as a Variant of Uncertain Significance.

NM_001130438.3(SPTAN1):c.5224G>A (p.Asp1742Asn)

Gene: SPTAN1 (spectrin alpha, non-erythrocytic 1; plus strand). Cytogenetic location: 9q34.11.
Variant type: single nucleotide variant.
Coding change: c.5224G>A on transcript NM_001130438.3 (MANE Select); coding-DNA position 5224, G replaced by A.
Protein change: p.Asp1742Asn; replaces aspartic acid 1742 with asparagine.
Molecular consequence: missense variant.
Genome position (GRCh38, 1-based): chr9:128,615,707, G>A. VCF-style: chr9-128615707-G-A. GRCh37 (hg19) VCF-style: chr9-131377986-G-A.
Other names: c.5149G>A, p.Asp1717Asn (NM_001195532.2); c.5224G>A, p.Asp1742Asn (NM_001363759.2, NM_001375310.1, NM_001375311.2 and 1 more transcripts); c.5164G>A, p.Asp1722Asn (NM_001363765.2, NM_001375314.2); c.5260G>A, p.Asp1754Asn (NM_001375312.2, NM_001375318.1); c.5209G>A, p.Asp1737Asn (NM_003127.4); short protein forms D1722N, D1754N, D1737N, D1717N, D1742N.
Identifiers: ClinVar variation 835223 (VCV000835223.11), dbSNP rs750748842, ClinGen allele CA5265404.